The following is an entry in ClinVar:

NM_000059.4(BRCA2):c.109T>G (p.Ser37Ala)

Gene: BRCA2 (BRCA2 DNA repair associated; plus strand). Cytogenetic location: 13q13.1.
Variant type: single nucleotide variant.
Coding change: c.109T>G on transcript NM_000059.4 (MANE Select); coding-DNA position 109, T replaced by G.
Protein change: p.Ser37Ala; replaces serine 37 with alanine.
Molecular consequence: missense variant.
Genome position (GRCh38, 1-based): chr13:32,319,118, T>G. VCF-style: chr13-32319118-T-G. GRCh37 (hg19) VCF-style: chr13-32893255-T-G.
Other names: short protein forms S37A.
Identifiers: ClinVar variation 234881 (VCV000234881.14), dbSNP rs876661275, ClinGen allele CA10577456.
Genomic context (GRCh38, chr13:32,319,118, plus strand): 5'-GGATTTTTTTTTTAAATAGATTTAGGACCAATAAGTCTTAATTGGTTTGAAGAACTTTCT[T>G]CAGAAGCTCCACCCTATAATTCTGAACCTGCAGAAGAATCTGAACATAAAAACAACAATT-3'
Protein context (NP_000050.3, residues 27-47): ISLNWFEELS[Ser37Ala]EAPPYNSEPA

ClinVar aggregate classification (germline): Uncertain significance. Review status: criteria provided, multiple submitters, no conflicts (2 of 4 stars). 4 submissions from 4 submitters: Uncertain significance (4). Last evaluated 2025-10-07.

Conditions:
Hereditary cancer-predisposing syndrome. Also called: Hereditary neoplastic syndrome; Hereditary Cancer Syndrome; Neoplastic Syndromes, Hereditary; Tumor predisposition. Identifiers: Orphanet 140162, MedGen C0027672, MeSH D009386, MONDO:0015356.
Hereditary breast ovarian cancer syndrome. Also called: BRCA1- and BRCA2-Associated Hereditary Breast and Ovarian Cancer; Hereditary breast and ovarian cancer syndrome; Hereditary breast and ovarian cancer; Hereditary breast and ovarian cancer syndrome (HBOC); Breast and ovarian cancer; Hereditary breast and/or ovarian cancer syndrome. Identifiers: Orphanet 145, MedGen C0677776, MeSH D061325, MONDO:0003582. Disease mechanism: loss of function.

Submissions (4):

Women's Health and Genetics/Laboratory Corporation of America, LabCorp
Classification: Uncertain significance. Last evaluated: 2025-10-07. Review status: criteria provided, single submitter. Criteria: LabCorp Variant Classification Summary - May 2015. Collection method: clinical testing. Allele origin: germline.
Comment: Variant summary: BRCA2 c.109T>G (p.Ser37Ala) results in a conservative amino acid change in the encoded protein sequence. Algorithms developed to predict the effect of missense changes on protein structure and function all suggest that this variant is likely to be tolerated. The variant was absent in 251120 control chromosomes (gnomAD). The available data on variant occurrences in the general population are insufficient to allow any conclusion about variant significance. To our knowledge, no occurrence of c.109T>G in individuals affected with BRCA2-related conditions has been reported. At least one publication reports experimental evidence evaluating an impact on protein function. These results showed no damaging effect of this variant (Bose_2025). The following publication has been ascertained in the context of this evaluation (PMID: 40232841). ClinVar contains an entry for this variant (Variation ID: 234881). Based on the evidence outlined above, the variant was classified as uncertain significance.

Ambry Genetics
Classification: Uncertain significance for Hereditary cancer-predisposing syndrome. Last evaluated: 2025-08-22. Review status: criteria provided, single submitter. Criteria: Ambry Variant Classification Scheme 2023. Collection method: clinical testing. Allele origin: germline.
Comment: The p.S37A variant (also known as c.109T>G), located in coding exon 2 of the BRCA2 gene, results from a T to G substitution at nucleotide position 109. The serine at codon 37 is replaced by alanine, an amino acid with similar properties. This amino acid position is not well conserved in available vertebrate species. In addition, this alteration is predicted to be tolerated by in silico analysis. Since supporting evidence is limited at this time, the clinical significance of this alteration remains unclear.

Labcorp Genetics (formerly Invitae), Labcorp
Classification: Uncertain significance for Hereditary breast ovarian cancer syndrome. Last evaluated: 2021-11-10. Review status: criteria provided, single submitter. Criteria: Invitae Variant Classification Sherloc (09022015). Collection method: clinical testing. Allele origin: germline.
Comment: This variant has not been reported in the literature in individuals affected with BRCA2-related conditions. ClinVar contains an entry for this variant (Variation ID: 234881). Advanced modeling of protein sequence and biophysical properties (such as structural, functional, and spatial information, amino acid conservation, physicochemical variation, residue mobility, and thermodynamic stability) performed at Invitae indicates that this missense variant is not expected to disrupt BRCA2 protein function. In summary, the available evidence is currently insufficient to determine the role of this variant in disease. Therefore, it has been classified as a Variant of Uncertain Significance. This variant is not present in population databases (gnomAD no frequency). This sequence change replaces serine, which is neutral and polar, with alanine, which is neutral and non-polar, at codon 37 of the BRCA2 protein (p.Ser37Ala).

GeneDx
Classification: Uncertain significance. Last evaluated: 2016-03-02. Review status: criteria provided, single submitter. Criteria: GeneDx Variant Classification (06012015). Collection method: clinical testing. Allele origin: germline. Affected: yes.
Comment: This variant is denoted BRCA2 c.109T>G at the cDNA level, p.Ser37Ala (S37A) at the protein level, and results in the change of a Serine to an Alanine (TCA>GCA). Using alternate nomenclature, this variant would be defined as BRCA2 c.337T>G. This variant has not, to our knowledge, been published in the literature as pathogenic or benign. BRCA2 Ser37Ala was not observed in approximately 6,500 individuals of European and African American ancestry in the NHLBI Exome Sequencing Project, suggesting it is not a common benign variant in these populations. Since Serine and Alanine differ in polarity, charge, size or other properties, this is considered a non-conservative amino acid substitution. BRCA2 Ser37Ala occurs at a position that is not conserved and is located in the PALB2 binding domain (Roy 2012). In silico analyses predict that this variant is unlikely to alter protein structure or function. Based on currently available evidence, it is unclear whether BRCA2 Ser37Ala is a pathogenic or benign variant. We consider it to be a variant of uncertain significance.

Literature cited by the submitters: PubMed 40232841 (cited by Women's Health and Genetics/Laboratory Corporation of America, LabCorp).